The following is an entry in ClinVar:

ClinVar aggregate classification (germline): Pathogenic (1 of 4 stars; one submission).

Conditions:
Cardiovascular phenotype. Identifiers: MedGen CN230736.
Hereditary cancer-predisposing syndrome. Also called: Neoplastic Syndromes, Hereditary; Tumor predisposition; Hereditary Cancer Syndrome; Hereditary neoplastic syndrome. Identifiers: Orphanet 140162, MedGen C0027672, MeSH D009386, MONDO:0015356.

Submission:

Ambry Genetics
Classification: Pathogenic for Cardiovascular phenotype; Hereditary cancer-predisposing syndrome. Last evaluated: 2021-11-02. Review status: criteria provided, single submitter. Criteria: Ambry Variant Classification Scheme 2023. Collection method: clinical testing. Allele origin: germline.
Comment: The c.165_181dup17 variant, located in coding exon 1 of the LZTR1 gene, results from a duplication of GCGCCTCCCGCCCTGCG at nucleotide position 165, causing a translational frameshift with a predicted alternate stop codon (p.D61Gfs*46). This alteration is expected to result in loss of function by premature protein truncation or nonsense-mediated mRNA decay. Loss-of-function variants in LZTR1 are related to an increased risk for schwannomas and autosomal recessive Noonan syndrome; however, such associations with autosomal dominant Noonan syndrome have not been observed (Piotrowski A et al. Nat Genet. 2014 Feb;46:182-7; Yamamoto GL et al. J Med Genet. 2015 Jun;52:413-21; Johnston JJ et al. Genet Med. 2018 10;20:1175-1185). Based on the supporting evidence, this variant is pathogenic for an increased risk of LZTR1-related schwannomatosis (SWN) and would be expected to cause autosomal recessive Noonan syndrome when present along with a second pathogenic or likely pathogenic variant on the other allele; however, the association of this alteration with autosomal dominant Noonan syndrome is unlikely.

NM_006767.4(LZTR1):c.165_181dup (p.Asp61fs)

Gene: LZTR1 (leucine zipper like post translational regulator 1; plus strand). Cytogenetic location: 22q11.21.
Variant type: Duplication.
Coding change: c.165_181dup on transcript NM_006767.4 (MANE Select); coding-DNA positions 165 to 181, 17 bases duplicated (GCGCCTCCCGCCCTGCG).
Protein change: p.Asp61fs; shifts the reading frame from aspartic acid 61.
Molecular consequence: frameshift variant.
Genome position (GRCh38, 1-based): chr22:20,982,536-20,982,552, GCGCCTCCCGCCCTGCG duplicated; duplicating any 17 consecutive bases within chr22:20,982,533-20,982,552 gives the same sequence; the c. name uses the placement nearest the transcript's 3' end. VCF-style (leftmost placement, unchanged base first): chr22-20982532-G-GGCGGCGCCTCCCGCCCT. GRCh37 (hg19) VCF-style: chr22-21336821-G-GGCGGCGCCTCCCGCCCT.
Other names: short protein forms D61fs.
Identifiers: ClinVar variation 1777238 (VCV001777238.2), dbSNP rs2518607943, ClinGen allele CA2580099163.